The following is an entry in ClinVar:

NM_001267550.2(TTN):c.106092A>C (p.Glu35364Asp)

Genes: TTN-AS1 (TTN antisense RNA 1; plus strand), TTN (titin; minus strand), LOC129935182 (ATAC-STARR-seq lymphoblastoid active region 16807; plus strand). Cytogenetic location: 2q31.2.
Variant type: single nucleotide variant.
Coding change: c.106092A>C on transcript NM_001267550.2 (MANE Select); coding-DNA position 106092, A replaced by C.
Protein change: p.Glu35364Asp; replaces glutamic acid 35364 with aspartic acid.
Molecular consequence: missense variant.
Genome position (GRCh38, 1-based): chr2:178,530,523, T>G on the plus strand (A>C on the coding strand, the complement: TTN is on the minus strand). VCF-style: chr2-178530523-T-G. GRCh37 (hg19) VCF-style: chr2-179395250-T-G.
Other names: c.101169A>C, p.Glu33723Asp (NM_001256850.1); c.78897A>C, p.Glu26299Asp (NM_003319.4); c.98388A>C, p.Glu32796Asp (NM_133378.4); c.79272A>C, p.Glu26424Asp (NM_133432.3); c.79473A>C, p.Glu26491Asp (NM_133437.4); short protein forms E26424D, E33723D, E32796D, E26299D, E26491D, E35364D.
Identifiers: ClinVar variation 2946668 (VCV002946668.3), dbSNP rs1407917338, ClinGen allele CA349407050.
Genomic context (GRCh38, chr2:178,530,523, plus strand): 5'-CTCATGGATACTCTTAAAGGCTTGCCCCATAAATTGTAAGTTGGTTTTAGACGTTCCACC[T>G]TCACCAGAAATCTCACAAACATATTCTCCTTGATCAGATTCAGTGAGGTTATTGATTTTG-3'
Protein context (NP_001254479.2, residues 35354-35374): QGEYVCEISG[Glu35364Asp]GGTSKTNLQF

ClinVar aggregate classification (germline): Uncertain significance (1 of 4 stars; one submission).

Conditions:
Dilated cardiomyopathy 1G (CMD1G). Identifiers: Orphanet 154, MedGen C1858763, MONDO:0011400, OMIM 604145.
Autosomal recessive limb-girdle muscular dystrophy type 2J (LGMDR10). Also called: Limb-girdle muscular dystrophy, type 2J; MUSCULAR DYSTROPHY, LIMB-GIRDLE, AUTOSOMAL RECESSIVE 10. Identifiers: Orphanet 140922, MedGen C1837342, MONDO:0012127, OMIM 608807.

Allele frequency attached by ClinVar (database versions not stated): gnomAD 0.00001.
gnomAD v4.1: 1 of 1,613,898 alleles (0.000062%); highest among the groups gnomAD compares: Non-Finnish European, 0.000085%; no homozygotes.

Submission:

Labcorp Genetics (formerly Invitae), Labcorp
Classification: Uncertain significance for Dilated cardiomyopathy 1G; Autosomal recessive limb-girdle muscular dystrophy type 2J. Last evaluated: 2023-04-13. Review status: criteria provided, single submitter. Criteria: Invitae Variant Classification Sherloc (09022015). Collection method: clinical testing. Allele origin: germline.
Comment: This variant is present in population databases (no rsID available, gnomAD 0.007%). This variant is located in the M band of TTN (PMID: 25589632). Variants in this region may be relevant for neuromuscular disorders, but have not been definitively shown to cause cardiomyopathy (PMID: 23975875). In summary, the available evidence is currently insufficient to determine the role of this variant in disease. Therefore, it has been classified as a Variant of Uncertain Significance. Algorithms developed to predict the effect of missense changes on protein structure and function output the following: SIFT: "Not Available"; PolyPhen-2: "Not Available"; Align-GVGD: "Not Available". The aspartic acid amino acid residue is found in multiple mammalian species, which suggests that this missense change does not adversely affect protein function. This variant has not been reported in the literature in individuals affected with TTN-related conditions. This sequence change replaces glutamic acid, which is acidic and polar, with aspartic acid, which is acidic and polar, at codon 35364 of the TTN protein (p.Glu35364Asp).

Literature cited by the submitters: PubMed 25589632; PubMed 23975875.